The following is an entry in ClinVar:

NM_006922.4(SCN3A):c.3649C>T (p.Leu1217Phe)

Gene: SCN3A (sodium voltage-gated channel alpha subunit 3; minus strand). Cytogenetic location: 2q24.3.
Variant type: single nucleotide variant.
Coding change: c.3649C>T on transcript NM_006922.4 (MANE Select); coding-DNA position 3649, C replaced by T.
Protein change: p.Leu1217Phe; replaces leucine 1217 with phenylalanine.
Molecular consequence: missense variant.
Genome position (GRCh38, 1-based): chr2:165,113,836, G>A on the plus strand (C>T on the coding strand, the complement: SCN3A is on the minus strand). VCF-style: chr2-165113836-G-A. GRCh37 (hg19) VCF-style: chr2-165970346-G-A.
Other names: c.3502C>T, p.Leu1168Phe (NM_001081676.2, NM_001081677.2); short protein forms L1168F, L1217F.
Identifiers: ClinVar variation 2048486 (VCV002048486.4), dbSNP rs2468155291, ClinGen allele CA349033327.

ClinVar aggregate classification (germline): Uncertain significance (1 of 4 stars; one submission).

Submission:

Labcorp Genetics (formerly Invitae), Labcorp
Classification: Uncertain significance. Last evaluated: 2021-12-19. Review status: criteria provided, single submitter. Criteria: Invitae Variant Classification Sherloc (09022015). Collection method: clinical testing. Allele origin: germline.
Comment: In summary, the available evidence is currently insufficient to determine the role of this variant in disease. Therefore, it has been classified as a Variant of Uncertain Significance. Algorithms developed to predict the effect of missense changes on protein structure and function are either unavailable or do not agree on the potential impact of this missense change (SIFT: "Deleterious"; PolyPhen-2: "Probably Damaging"; Align-GVGD: "Class C0"). This variant has not been reported in the literature in individuals affected with SCN3A-related conditions. This variant is not present in population databases (gnomAD no frequency). This sequence change replaces leucine, which is neutral and non-polar, with phenylalanine, which is neutral and non-polar, at codon 1217 of the SCN3A protein (p.Leu1217Phe).